The following is an entry in ClinVar:

ClinVar aggregate classification (germline): Conflicting classifications of pathogenicity. Review status: criteria provided, conflicting classifications (1 of 4 stars). 5 submissions from 5 submitters: Uncertain significance (1); Benign (1); Likely benign (3). Last evaluated 2025-12-30.

Conditions:
Retinal dystrophy. Also called: Inherited retinal dystrophy. Identifiers: Orphanet 71862, MedGen C0854723, MeSH D058499, MONDO:0019118, HP:0000556.
PCARE-related disorder. Also called: PCARE-related condition.
Retinitis pigmentosa (RP). Identifiers: Orphanet 791, MedGen C0035334, MeSH D012174, MONDO:0019200, OMIM 268000. Inheritance: Autosomal dominant, autosomal recessive and X linked inheritance.

Allele frequency attached by ClinVar (database versions not stated): gnomAD exomes 0.00005; TOPMed 0.00020; 1000 Genomes Project 30x 0.00062; 1000 Genomes Project 0.00080.

Submissions (5):

PreventionGenetics, part of Exact Sciences
Classification: Likely benign for PCARE-related condition. Last evaluated: 2025-12-30. Review status: criteria provided, single submitter. Criteria: ACMG Guidelines, 2015. Collection method: clinical testing. Allele origin: germline.
Comment: This variant is classified as likely benign based on ACMG/AMP sequence variant interpretation guidelines (Richards et al. 2015 PMID: 25741868, with internal and published modifications).

Labcorp Genetics (formerly Invitae), Labcorp
Classification: Likely benign. Last evaluated: 2025-12-13. Review status: criteria provided, single submitter. Criteria: Invitae Variant Classification Sherloc (09022015). Collection method: clinical testing. Allele origin: germline.

Blueprint Genetics
Classification: Benign. Last evaluated: 2024-09-19. Review status: criteria provided, single submitter. Criteria: ACMG Guidelines, 2015. Collection method: clinical testing. Allele origin: germline.

Dept Of Ophthalmology, Nagoya University
Classification: Likely benign for Retinal dystrophy. Last evaluated: 2023-10-01. Review status: criteria provided, single submitter. Criteria: Submitter's publication. Collection method: research. Allele origin: germline. Affected: yes.

Illumina Laboratory Services, Illumina
Classification: Uncertain significance for Retinitis pigmentosa. Last evaluated: 2018-01-13. Review status: criteria provided, single submitter. Criteria: ICSL Variant Classification Criteria 13 December 2019. Collection method: clinical testing. Allele origin: germline.

NM_001029883.3(PCARE):c.3722C>T (p.Ser1241Phe)

Gene: PCARE (photoreceptor cilium actin regulator; minus strand). Cytogenetic location: 2p23.2.
Variant type: single nucleotide variant.
Coding change: c.3722C>T on transcript NM_001029883.3 (MANE Select); coding-DNA position 3722, C replaced by T.
Protein change: p.Ser1241Phe; replaces serine 1241 with phenylalanine.
Molecular consequence: missense variant.
Genome position (GRCh38, 1-based): chr2:29,065,014, G>A on the plus strand (C>T on the coding strand, the complement: PCARE is on the minus strand). VCF-style: chr2-29065014-G-A. GRCh37 (hg19) VCF-style: chr2-29287880-G-A.
Other names: short protein forms S1241F.
Identifiers: ClinVar variation 897808 (VCV000897808.16), dbSNP rs78471512, ClinGen allele CA1591841.